The following is an entry in ClinVar:

NM_003579.4(RAD54L):c.1399T>C (p.Cys467Arg)

Gene: RAD54L (RAD54 like; plus strand). Cytogenetic location: 1p34.1.
Variant type: single nucleotide variant.
Coding change: c.1399T>C on transcript NM_003579.4 (MANE Select); coding-DNA position 1399, T replaced by C.
Protein change: p.Cys467Arg; replaces cysteine 467 with arginine.
Molecular consequence: missense variant.
Genome position (GRCh38, 1-based): chr1:46,273,378, T>C. VCF-style: chr1-46273378-T-C. GRCh37 (hg19) VCF-style: chr1-46739050-T-C.
Other names: c.1399T>C, p.Cys467Arg (NM_001142548.2); c.859T>C, p.Cys287Arg (NM_001370766.1); short protein forms C287R, C467R.
Identifiers: ClinVar variation 3223409 (VCV003223409.1), dbSNP rs2525711382, ClinGen allele CA340180423.

ClinVar aggregate classification (germline): Uncertain significance (1 of 4 stars; one submission).

Submission:

Ambry Genetics
Classification: Uncertain significance. Last evaluated: 2024-01-19. Review status: criteria provided, single submitter. Criteria: Ambry Variant Classification Scheme 2023. Collection method: clinical testing. Allele origin: germline.
Comment: The p.C467R variant (also known as c.1399T>C), located in coding exon 13 of the RAD54L gene, results from a T to C substitution at nucleotide position 1399. The cysteine at codon 467 is replaced by arginine, an amino acid with highly dissimilar properties. This amino acid position is conserved. In addition, this alteration is predicted to be deleterious by in silico analysis. Based on the available evidence, the clinical significance of this alteration remains unclear.